The following is an entry in ClinVar:

NM_001352514.2(HLCS):c.1163G>C (p.Gly388Ala)

Gene: HLCS (holocarboxylase synthetase; minus strand). Cytogenetic location: 21q22.13.
Variant type: single nucleotide variant.
Coding change: c.1163G>C on transcript NM_001352514.2 (MANE Select); coding-DNA position 1163, G replaced by C.
Protein change: p.Gly388Ala; replaces glycine 388 with alanine.
Molecular consequence: missense variant. On other transcripts: non-coding transcript variant (2).
Genome position (GRCh38, 1-based): chr21:36,936,723, C>G on the plus strand (G>C on the coding strand, the complement: HLCS is on the minus strand). VCF-style: chr21-36936723-C-G. GRCh37 (hg19) VCF-style: chr21-38309023-C-G.
Other names: c.722G>C (NM_000411.7); c.722G>C, p.Gly241Ala (NM_000411.8, NM_001242784.3, NM_001242785.2 and 4 more transcripts); short protein forms G241A, G388A.
Identifiers: ClinVar variation 369667 (VCV000369667.4), dbSNP rs1057516035, ClinGen allele CA10654770.
Genomic context (GRCh38, chr21:36,936,723, plus strand): 5'-CCCTTGCTTGTCACCTGAAAGCCACCAAAGGTGAAGGATGAAGACAGGCCCAACACCTTC[C>G]CTCCCTGAGAAAGATAGGCCATGAACTTCTGGTACAGGTCTTCGGGAATGGACTCCCTGG-3'
Protein context (NP_001339443.1, residues 378-398): QKFMAYLSQG[Gly388Ala]KVLGLSSSFT

ClinVar aggregate classification (germline): Likely pathogenic. Review status: criteria provided, multiple submitters, no conflicts (2 of 4 stars). 2 submissions from 2 submitters: Likely pathogenic (2). Last evaluated 2025-07-25.

Conditions:
Holocarboxylase synthetase deficiency. Also called: MULTIPLE CARBOXYLASE DEFICIENCY, EARLY ONSET. Identifiers: Orphanet 79242, MedGen C0268581, MONDO:0009666, OMIM 253270.

Submissions (2):

Natera, Inc.
Classification: Likely pathogenic for Holocarboxylase synthetase deficiency. Last evaluated: 2025-07-25. Review status: criteria provided, single submitter. Criteria: Natera Variant Classification Schema (03/2026). Collection method: clinical testing. Allele origin: germline.
Comment: The c.722G>C variant in HLCS is a missense variant predicted to cause substitution of glycine to alanine at amino acid 241. This variant is rare in the general population with a frequency below the threshold expected for the associated phenotype(s). This variant has been observed in one or more individuals affected with the associated recessive disease, as either homozygous or compound heterozygous with a second variant (PMID: 26938784). A different variant at the same position has been determined to be Pathogenic or Likely Pathogenic. Computational prediction algorithms indicate this variant is likely to affect gene or protein function. Given the available evidence, this variant is classified as Likely Pathogenic.

Victorian Clinical Genetics Services, Murdoch Childrens Research Institute
Classification: Likely pathogenic for Holocarboxylase synthetase deficiency. Last evaluated: 2015-07-21. Review status: criteria provided, single submitter. Criteria: ACMG Guidelines, 2015. Collection method: clinical testing. Allele origin: inherited. Inheritance: Autosomal recessive inheritance. Affected: yes. Observed: 3 variant alleles. Clinical features observed: Severe lactic acidosis (HP:0004900).
Comment: This substitution is predicted to result in a change of a glycine to an alanine at position 241, NP_00402.3, p.(Gly241Ala). The amino acid at this position is highly conserved, and in a functional domain (GAT_1, type 1 glutamine amidotransferase-like domain). This substitution is predicted to be disease-causing by in-silico models, and is novel. Another substitution at the same position, p.(Gly241Trp) has been reported as disease-causing in another family (De Castro et al 2015, JIMD 20:1-4).

Literature cited by the submitters: PubMed 26938784 (cited by Natera, Inc. and Victorian Clinical Genetics Services, Murdoch Childrens Research Institute).